The following is an entry in ClinVar:

ClinVar aggregate classification (germline): Uncertain significance. Review status: criteria provided, multiple submitters, no conflicts (2 of 4 stars). 2 submissions from 2 submitters: Uncertain significance (2). Last evaluated 2022-07-19.

Conditions:
Supravalvar aortic stenosis (SVAS). Also called: Supravalvar aortic stenosis, Eisenberg type. Identifiers: Orphanet 3193, MedGen C0003499, MONDO:0008504, OMIM 185500, HP:0004381.

Allele frequency attached by ClinVar (database versions not stated): gnomAD 0.00001 and 0.00002; gnomAD exomes 0.00001; TOPMed 0.00001.
gnomAD v4.1: 14 of 1,613,980 alleles (0.00087%); highest among the groups gnomAD compares: Admixed American, 0.0017%; no homozygotes.

Submissions (2):

Labcorp Genetics (formerly Invitae), Labcorp
Classification: Uncertain significance for Supravalvar aortic stenosis. Last evaluated: 2022-07-19. Review status: criteria provided, single submitter. Criteria: Invitae Variant Classification Sherloc (09022015). Collection method: clinical testing. Allele origin: germline.
Comment: In summary, the available evidence is currently insufficient to determine the role of this variant in disease. Therefore, it has been classified as a Variant of Uncertain Significance. Algorithms developed to predict the effect of missense changes on protein structure and function are either unavailable or do not agree on the potential impact of this missense change (SIFT: "Deleterious"; PolyPhen-2: "Not Available"; Align-GVGD: "Class C0"). ClinVar contains an entry for this variant (Variation ID: 651943). This variant has not been reported in the literature in individuals affected with ELN-related conditions. This variant is present in population databases (no rsID available, gnomAD 0.007%). This sequence change replaces tyrosine, which is neutral and polar, with cysteine, which is neutral and slightly polar, at codon 228 of the ELN protein (p.Tyr228Cys).

Blueprint Genetics
Classification: Uncertain significance. Last evaluated: 2021-10-13. Review status: criteria provided, single submitter. Criteria: ACMG Guidelines, 2015. Collection method: clinical testing. Allele origin: germline.

NM_000501.4(ELN):c.683A>G (p.Tyr228Cys)

Gene: ELN (elastin; plus strand). Cytogenetic location: 7q11.23.
Variant type: single nucleotide variant.
Coding change: c.683A>G on transcript NM_000501.4 (MANE Select); coding-DNA position 683, A replaced by G.
Protein change: p.Tyr228Cys; replaces tyrosine 228 with cysteine.
Molecular consequence: missense variant. On other transcripts: intron variant (2).
Genome position (GRCh38, 1-based): chr7:74,047,714, A>G. VCF-style: chr7-74047714-A-G. GRCh37 (hg19) VCF-style: chr7-73462044-A-G.
Other names: c.653A>G, p.Tyr218Cys (NM_001081752.3, NM_001278917.2); c.698A>G, p.Tyr233Cys (NM_001081753.3, NM_001081754.3); c.683A>G, p.Tyr228Cys (NM_001081755.3, NM_001278912.2, NM_001278915.2 and 1 more transcripts); c.668A>G, p.Tyr223Cys (NM_001278914.2); c.551A>G, p.Tyr184Cys (NM_001278918.2); c.644-428A>G (NM_001278916.2); c.578-428A>G (NM_001278913.2); short protein forms Y218C, Y223C, Y228C, Y184C, Y233C.
Identifiers: ClinVar variation 651943 (VCV000651943.9), dbSNP rs1471237206, ClinGen allele CA367870441.